The following is an entry in ClinVar:

ClinVar aggregate classification (germline): Benign/Likely benign. Review status: criteria provided, multiple submitters, no conflicts (2 of 4 stars). 8 submissions from 8 submitters: Benign (1); Likely benign (7). Last evaluated 2026-02-03.

Conditions:
Familial cancer of breast. Also called: Hereditary breast cancer; hereditary breast carcinoma; BREAST CANCER, FAMILIAL. Identifiers: Orphanet 227535, MedGen C0346153, MONDO:0016419, OMIM 114480. Disease mechanism: loss of function.
Hereditary cancer-predisposing syndrome. Also called: Hereditary Cancer Syndrome; Hereditary neoplastic syndrome; Neoplastic Syndromes, Hereditary; Tumor predisposition. Identifiers: Orphanet 140162, MedGen C0027672, MeSH D009386, MONDO:0015356.

Allele frequency attached by ClinVar (database versions not stated): TOPMed 0.00003; gnomAD 0.00005; ExAC 0.00006; 1000 Genomes Project 30x 0.00016; 1000 Genomes Project 0.00020.
gnomAD v4.1: 46 of 1,613,476 alleles (0.0029%); highest among the groups gnomAD compares: African/African-American, 0.0093%; no homozygotes.

Submissions (8):

Labcorp Genetics (formerly Invitae), Labcorp
Classification: Likely benign for Familial cancer of breast. Last evaluated: 2026-02-03. Review status: criteria provided, single submitter. Criteria: Invitae Variant Classification Sherloc (09022015). Collection method: clinical testing. Allele origin: germline.

Center for Genomic Medicine, Rigshospitalet, Copenhagen University Hospital
Classification: Likely benign. Last evaluated: 2025-03-04. Review status: criteria provided, single submitter. Criteria: ACMG Guidelines, 2015. Collection method: clinical testing. Allele origin: germline.

Myriad Genetics, Inc.
Classification: Benign for Familial cancer of breast. Last evaluated: 2024-07-26. Review status: criteria provided, single submitter. Criteria: Myriad Autosomal Dominant, Autosomal Recessive and X-Linked Classification Criteria (2023). Collection method: clinical testing. Allele origin: unknown.
Comment: This variant is considered benign. This variant is a silent/synonymous amino acid change and it is not expected to impact splicing.

Sema4
Classification: Likely benign for Hereditary cancer-predisposing syndrome. Last evaluated: 2021-05-10. Review status: criteria provided, single submitter. Criteria: Sema4 Curation Guidelines. Collection method: curation. Allele origin: germline.

Women's Health and Genetics/Laboratory Corporation of America, LabCorp
Classification: Likely benign. Last evaluated: 2019-08-21. Review status: criteria provided, single submitter. Criteria: LabCorp Variant Classification Summary - May 2015. Collection method: clinical testing. Allele origin: germline.

Color Diagnostics, LLC DBA Color Health
Classification: Likely benign for Hereditary cancer-predisposing syndrome. Last evaluated: 2017-10-12. Review status: criteria provided, single submitter. Criteria: ACMG Guidelines, 2015. Collection method: clinical testing. Allele origin: germline.

GeneDx
Classification: Likely benign. Last evaluated: 2017-03-27. Review status: criteria provided, single submitter. Criteria: GeneDx Variant Classification (06012015). Collection method: clinical testing. Allele origin: germline. Affected: yes.
Comment: This variant is considered likely benign or benign based on one or more of the following criteria: it is a conservative change, it occurs at a poorly conserved position in the protein, it is predicted to be benign by multiple in silico algorithms, and/or has population frequency not consistent with disease.

Ambry Genetics
Classification: Likely benign for Hereditary cancer-predisposing syndrome. Last evaluated: 2016-02-26. Review status: criteria provided, single submitter. Criteria: Ambry Variant Classification Scheme 2023. Collection method: clinical testing. Allele origin: germline.

NM_000465.4(BARD1):c.1593C>T (p.Val531=)

Gene: BARD1 (BRCA1 associated RING domain 1; minus strand). Cytogenetic location: 2q35.
Variant type: single nucleotide variant.
Coding change: c.1593C>T on transcript NM_000465.4 (MANE Select); coding-DNA position 1593, C replaced by T.
Protein change: p.Val531=; no amino-acid change (valine 531 retained).
Molecular consequence: synonymous variant. On other transcripts: non-coding transcript variant (3), intron variant (1).
Genome position (GRCh38, 1-based): chr2:214,752,531, G>A on the plus strand (C>T on the coding strand, the complement: BARD1 is on the minus strand). VCF-style: chr2-214752531-G-A. GRCh37 (hg19) VCF-style: chr2-215617255-G-A.
Other names: c.1536C>T, p.Val512= (NM_001282543.2); c.240C>T, p.Val80= (NM_001282545.2); c.183C>T, p.Val61= (NM_001282548.2); c.365-22023C>T (NM_001282549.2).
Identifiers: ClinVar variation 388713 (VCV000388713.22), dbSNP rs564894014, ClinGen allele CA2090215.